The following is an entry in ClinVar:

NM_001283009.2(RTEL1):c.3611A>G (p.Gln1204Arg)

Genes: RTEL1 (regulator of telomere elongation helicase 1; plus strand), RTEL1-TNFRSF6B (RTEL1-TNFRSF6B readthrough (NMD candidate); plus strand). Cytogenetic location: 20q13.33.
Variant type: single nucleotide variant.
Coding change: c.3611A>G on transcript NM_001283009.2 (MANE Select); coding-DNA position 3611, A replaced by G.
Protein change: p.Gln1204Arg; replaces glutamine 1204 with arginine.
Molecular consequence: missense variant. On other transcripts: non-coding transcript variant (1).
Genome position (GRCh38, 1-based): chr20:63,695,439, A>G. VCF-style: chr20-63695439-A-G. GRCh37 (hg19) VCF-style: chr20-62326792-A-G.
Other names: c.2942A>G, p.Gln981Arg (NM_001283010.1); c.3611A>G, p.Gln1204Arg (NM_016434.4); c.3683A>G, p.Gln1228Arg (NM_032957.5); short protein forms Q1204R, Q981R, Q1228R.
Identifiers: ClinVar variation 3791017 (VCV003791017.1).

ClinVar aggregate classification (germline): Uncertain significance (1 of 4 stars; one submission).

Conditions:
Inborn genetic diseases. Identifiers: MedGen C0950123, MeSH D030342.

Submission:

Ambry Genetics
Classification: Uncertain significance for Inborn genetic diseases. Last evaluated: 2025-01-03. Review status: criteria provided, single submitter. Criteria: Ambry Variant Classification Scheme 2023. Collection method: clinical testing. Allele origin: germline.
Comment: The p.Q1204R variant (also known as c.3611A>G), located in coding exon 33 of the RTEL1 gene, results from an A to G substitution at nucleotide position 3611. The glutamine at codon 1204 is replaced by arginine, an amino acid with highly similar properties. This amino acid position is conserved. In addition, this alteration is predicted to be tolerated by in silico analysis. Based on the available evidence, the clinical significance of this variant remains unclear.